The following is an entry in ClinVar:

NM_000038.6(APC):c.6224A>G (p.Asp2075Gly)

Gene: APC (APC regulator of Wnt signaling pathway; plus strand). Cytogenetic location: 5q22.2.
Variant type: single nucleotide variant.
Coding change: c.6224A>G on transcript NM_000038.6 (MANE Select); coding-DNA position 6224, A replaced by G.
Protein change: p.Asp2075Gly; replaces aspartic acid 2075 with glycine.
Molecular consequence: missense variant.
Genome position (GRCh38, 1-based): chr5:112,841,818, A>G. VCF-style: chr5-112841818-A-G. GRCh37 (hg19) VCF-style: chr5-112177515-A-G.
Other names: c.6224A>G, p.Asp2075Gly (NM_001127510.3, NM_001354895.2); c.6170A>G, p.Asp2057Gly (NM_001127511.3); c.6278A>G, p.Asp2093Gly (NM_001354896.2); c.6254A>G, p.Asp2085Gly (NM_001354897.2); c.6149A>G, p.Asp2050Gly (NM_001354898.2); c.6140A>G, p.Asp2047Gly (NM_001354899.2); c.6101A>G, p.Asp2034Gly (NM_001354900.2); c.6047A>G, p.Asp2016Gly (NM_001354901.2); and 5 more; short protein forms D1915G, D1949G, D2034G, D2047G, D2085G, D2093G, D1974G, D1984G.
Identifiers: ClinVar variation 927107 (VCV000927107.6), dbSNP rs1186067054, ClinGen allele CA16034965.
Genomic context (GRCh38, chr5:112,841,818, plus strand): 5'-GACTCAAGGGTGATAATGAAAAACATAGTCCCAGAAATATGGGTGGCATATTAGGTGAAG[A>G]TCTGACACTTGATTTGAAAGATATACAGAGACCAGATTCAGAACATGGTCTATCCCCTGA-3'
Protein context (NP_000029.2, residues 2065-2085): PRNMGGILGE[Asp2075Gly]LTLDLKDIQR

ClinVar aggregate classification (germline): Uncertain significance. Review status: criteria provided, multiple submitters, no conflicts (2 of 4 stars). 3 submissions from 3 submitters: Uncertain significance (3). Last evaluated 2026-01-28.

Conditions:
Hereditary cancer-predisposing syndrome. Also called: Neoplastic Syndromes, Hereditary; Tumor predisposition; Hereditary Cancer Syndrome; Hereditary neoplastic syndrome. Identifiers: Orphanet 140162, MedGen C0027672, MeSH D009386, MONDO:0015356.
Classic or attenuated familial adenomatous polyposis. Identifiers: MedGen CN372698, MONDO:0021057.
Familial adenomatous polyposis 1 (FAP1). Also called: FAMILIAL ADENOMATOUS POLYPOSIS 1, ATTENUATED; POLYPOSIS, ADENOMATOUS INTESTINAL. Identifiers: MedGen C2713442, MONDO:0021056, OMIM 175100. Disease mechanism: loss of function.

Allele frequency attached by ClinVar (database versions not stated): gnomAD exomes below 0.00001.
gnomAD v4.1: 2 of 1,614,024 alleles (0.00012%); highest among the groups gnomAD compares: Non-Finnish European, 0.000085%; no homozygotes.

Submissions (3):

Labcorp Genetics (formerly Invitae), Labcorp
Classification: Uncertain significance for Familial adenomatous polyposis 1. Last evaluated: 2026-01-28. Review status: criteria provided, single submitter. Criteria: Invitae Variant Classification Sherloc (09022015). Collection method: clinical testing. Allele origin: germline.
Comment: This sequence change replaces aspartic acid, which is acidic and polar, with glycine, which is neutral and non-polar, at codon 2075 of the APC protein (p.Asp2075Gly). This variant is present in population databases (no rsID available, gnomAD 0.0009%). This variant has not been reported in the literature in individuals affected with APC-related conditions. ClinVar contains an entry for this variant (Variation ID: 927107). Invitae Evidence Modeling of protein sequence and biophysical properties (such as structural, functional, and spatial information, amino acid conservation, physicochemical variation, residue mobility, and thermodynamic stability) indicates that this missense variant is not expected to disrupt APC protein function with a negative predictive value of 95%. In summary, the available evidence is currently insufficient to determine the role of this variant in disease. Therefore, it has been classified as a Variant of Uncertain Significance.

Color Diagnostics, LLC DBA Color Health
Classification: Uncertain significance for Hereditary cancer-predisposing syndrome. Last evaluated: 2024-03-06. Review status: criteria provided, single submitter. Criteria: ACMG Guidelines, 2015. Collection method: clinical testing. Allele origin: germline.
Comment: This missense variant replaces aspartic acid with glycine at codon 2075 of the APC protein. Computational prediction suggests that this variant may not impact protein structure and function (internally defined REVEL score threshold <= 0.5, PMID: 27666373). Splice site prediction tools suggest that this variant may not impact RNA splicing. To our knowledge, functional studies have not been performed for this variant. This variant has not been reported in individuals affected with hereditary cancer in the literature. This variant has been identified in 1/250692 chromosomes in the general population by the Genome Aggregation Database (gnomAD). The available evidence is insufficient to determine the role of this variant in disease conclusively. Therefore, this variant is classified as a Variant of Uncertain Significance.

All of Us Research Program, National Institutes of Health
Classification: Uncertain significance for Classic or attenuated familial adenomatous polyposis. Last evaluated: 2023-08-15. Review status: criteria provided, single submitter. Criteria: ACMG Guidelines, 2015. Collection method: clinical testing. Allele origin: germline. Inheritance: Autosomal dominant inheritance. Observed: 1 variant allele, 1 heterozygote.
Comment: This missense variant replaces aspartic acid with glycine at codon 2075 of the APC protein. Computational prediction suggests that this variant may not impact protein structure and function (internally defined REVEL score threshold <= 0.5, PMID: 27666373). Splice site prediction tools suggest that this variant may not impact RNA splicing. To our knowledge, functional studies have not been performed for this variant. This variant has not been reported in individuals affected with hereditary cancer in the literature. This variant has been identified in 1/250692 chromosomes in the general population by the Genome Aggregation Database (gnomAD). The available evidence is insufficient to determine the role of this variant in disease conclusively. Therefore, this variant is classified as a Variant of Uncertain Significance.

This study involves interpretation of variants in research participants for the purpose of population health screening. Participant phenotype was not available at the time of variant classification. Additional details can be found in publication PMID: 35346344, PMCID: PMC8962531